The following is an entry in ClinVar:

ClinVar aggregate classification (germline): Benign/Likely benign. Review status: criteria provided, multiple submitters, no conflicts (2 of 4 stars). 6 submissions from 6 submitters: Benign (1); Likely benign (4). 1 of the submissions does not count toward it. Last evaluated 2026-01-14.

Conditions:
Inborn genetic diseases. Identifiers: MedGen C0950123, MeSH D030342.
Charcot-Marie-Tooth disease type 4. Also called: Charcot-Marie-Tooth disease, type IV; Charcot-Marie-Tooth, Type 4. Identifiers: Orphanet 64749, MedGen C4082197, MONDO:0018995.
MTMR2-related disorder. Also called: MTMR2-related condition.

Allele frequency attached by ClinVar (database versions not stated): gnomAD exomes 0.00073; ExAC 0.00107; gnomAD 0.00280 and 0.00293; TOPMed 0.00305; ESP Exome Variant Server 0.00392; 1000 Genomes Project 0.00439; 1000 Genomes Project 30x 0.00531.

Submissions (6):

Labcorp Genetics (formerly Invitae), Labcorp
Classification: Benign for Charcot-Marie-Tooth disease type 4. Last evaluated: 2026-01-14. Review status: criteria provided, single submitter. Criteria: Invitae Variant Classification Sherloc (09022015). Collection method: clinical testing. Allele origin: germline.

Ambry Genetics
Classification: Likely benign for Inborn genetic diseases. Last evaluated: 2025-08-05. Review status: criteria provided, single submitter. Criteria: Ambry Variant Classification Scheme 2023. Collection method: clinical testing. Allele origin: germline.

Athena Diagnostics
Classification: Likely benign. Last evaluated: 2025-06-30. Review status: criteria provided, single submitter. Criteria: Athena Diagnostics Criteria. Collection method: clinical testing. Allele origin: unknown.
Comment: The frequency of this variant in the general population is higher than would generally be expected for pathogenic variants in this gene. Computational tools predict this amino acid change may be benign.

Mayo Clinic Laboratories, Mayo Clinic
Classification: Likely benign. Last evaluated: 2022-06-06. Review status: criteria provided, single submitter. Criteria: ACMG Guidelines, 2015. Collection method: clinical testing. Allele origin: germline. Observed: 2 variant alleles.
Comment: BA1

GeneDx
Classification: Likely benign. Last evaluated: 2021-03-25. Review status: criteria provided, single submitter. Criteria: GeneDx Variant Classification Process June 2021. Collection method: clinical testing. Allele origin: germline. Affected: yes.

PreventionGenetics, part of Exact Sciences
Classification: Benign for MTMR2-related condition. Last evaluated: 2019-06-18. Review status: no assertion criteria provided. Collection method: clinical testing. Allele origin: germline. Not counted in ClinVar's aggregate classification.
Comment: This variant is classified as benign based on ACMG/AMP sequence variant interpretation guidelines (Richards et al. 2015 PMID: 25741868, with internal and published modifications).

Literature cited by the submitters: PubMed 27697855 (cited by Athena Diagnostics).

NM_016156.6(MTMR2):c.130G>A (p.Val44Ile)

Gene: MTMR2 (myotubularin related protein 2; minus strand). Cytogenetic location: 11q21.
Variant type: single nucleotide variant.
Coding change: c.130G>A on transcript NM_016156.6 (MANE Select); coding-DNA position 130, G replaced by A.
Protein change: p.Val44Ile; replaces valine 44 with isoleucine.
Molecular consequence: missense variant. On other transcripts: 5 prime UTR variant (3).
Genome position (GRCh38, 1-based): chr11:95,888,212, C>T on the plus strand (G>A on the coding strand, the complement: MTMR2 is on the minus strand). VCF-style: chr11-95888212-C-T. GRCh37 (hg19) VCF-style: chr11-95621376-C-T.
Other names: p.Val44Ile; c.-283G>A (NM_001243571.2); c.-210G>A (NM_201278.3); c.-87G>A (NM_201281.3); short protein forms V44I.
Identifiers: ClinVar variation 215521 (VCV000215521.20), dbSNP rs146004831, ClinGen allele CA337568.